The following is an entry in ClinVar:

ClinVar aggregate classification (germline): Pathogenic (1 of 4 stars; one submission).

Conditions:
Hereditary cancer-predisposing syndrome. Also called: Tumor predisposition; Hereditary neoplastic syndrome; Hereditary Cancer Syndrome; Neoplastic Syndromes, Hereditary. Identifiers: Orphanet 140162, MedGen C0027672, MeSH D009386, MONDO:0015356.

Submission:

Ambry Genetics
Classification: Pathogenic for Hereditary cancer-predisposing syndrome. Last evaluated: 2025-03-19. Review status: criteria provided, single submitter. Criteria: Ambry Variant Classification Scheme 2023. Collection method: clinical testing. Allele origin: germline.
Comment: The p.E310* pathogenic mutation (also known as c.928G>T), located in coding exon 8 of the SUFU gene, results from a G to T substitution at nucleotide position 928. This changes the amino acid from a glutamic acid to a stop codon within coding exon 8. This variant was reported in individual(s) with features consistent with SUFU-related disorders (Ambry internal data). This variant is considered to be rare based on population cohorts in the Genome Aggregation Database (gnomAD). This alteration is expected to result in loss of function by premature protein truncation or nonsense-mediated mRNA decay. As such, this alteration is interpreted as a disease-causing mutation.

NM_016169.4(SUFU):c.928G>T (p.Glu310Ter)

Gene: SUFU (SUFU negative regulator of hedgehog signaling; plus strand). Cytogenetic location: 10q24.32.
Variant type: single nucleotide variant.
Coding change: c.928G>T on transcript NM_016169.4 (MANE Select); coding-DNA position 928, G replaced by T.
Protein change: p.Glu310Ter; replaces glutamic acid 310 with a stop codon.
Molecular consequence: nonsense.
Genome position (GRCh38, 1-based): chr10:102,599,450, G>T. VCF-style: chr10-102599450-G-T. GRCh37 (hg19) VCF-style: chr10-104359207-G-T.
Other names: c.928G>T, p.Glu310Ter (NM_001178133.2); short protein forms E310*.
Identifiers: ClinVar variation 3963848 (VCV003963848.1).